The following is an entry in ClinVar:

NM_002900.3(RBP3):c.2899G>A (p.Gly967Ser)

Gene: RBP3 (retinol binding protein 3; plus strand). Cytogenetic location: 10q11.22.
Variant type: single nucleotide variant.
Coding change: c.2899G>A on transcript NM_002900.3 (MANE Select); coding-DNA position 2899, G replaced by A.
Protein change: p.Gly967Ser; replaces glycine 967 with serine.
Molecular consequence: missense variant.
Genome position (GRCh38, 1-based): chr10:47,351,383, G>A. VCF-style: chr10-47351383-G-A. GRCh37 (hg19) VCF-style: chr10-48387979-C-T.
Other names: short protein forms G967S.
Identifiers: ClinVar variation 299957 (VCV000299957.12), dbSNP rs201500631, ClinGen allele CA5487181.
Genomic context (GRCh38, chr10:47,351,383, plus strand): 5'-CTGGTGGCTGATAACTATGCCTCTGCCGAGCTGGGGGCCAAGATGGCCACCAAACTGAGC[G>A]GTCTGCAGAGCCGCTACTCCAGGGTGACCTCAGAAGTGGCCCTAGCCGAGATCCTGGGGG-3'
Protein context (NP_002891.1, residues 957-977): LGAKMATKLS[Gly967Ser]LQSRYSRVTS

ClinVar aggregate classification (germline): Conflicting classifications of pathogenicity. Review status: criteria provided, conflicting classifications (1 of 4 stars). 3 submissions from 3 submitters: Uncertain significance (2); Likely benign (1). Last evaluated 2025-10-18.

Conditions:
Retinitis pigmentosa (RP). Identifiers: Orphanet 791, MedGen C0035334, MeSH D012174, MONDO:0019200, OMIM 268000. Inheritance: Autosomal dominant, autosomal recessive and X linked inheritance.

Allele frequency attached by ClinVar (database versions not stated): ESP Exome Variant Server 0.00008; gnomAD 0.00014 and 0.00015; TOPMed 0.00015; ExAC 0.00017; gnomAD exomes 0.00021; 1000 Genomes Project 30x 0.00031; 1000 Genomes Project 0.00040.
gnomAD v4.1: 175 of 1,613,570 alleles (0.011%); highest among the groups gnomAD compares: East Asian, 0.082%; no homozygotes.

Submissions (3):

Labcorp Genetics (formerly Invitae), Labcorp
Classification: Uncertain significance. Last evaluated: 2025-10-18. Review status: criteria provided, single submitter. Criteria: Invitae Variant Classification Sherloc (09022015). Collection method: clinical testing. Allele origin: germline.
Comment: This sequence change replaces glycine, which is neutral and non-polar, with serine, which is neutral and polar, at codon 967 of the RBP3 protein (p.Gly967Ser). This variant is present in population databases (rs201500631, gnomAD 0.2%). This variant has not been reported in the literature in individuals affected with RBP3-related conditions. ClinVar contains an entry for this variant (Variation ID: 299957). Invitae Evidence Modeling of protein sequence and biophysical properties (such as structural, functional, and spatial information, amino acid conservation, physicochemical variation, residue mobility, and thermodynamic stability) indicates that this missense variant is not expected to disrupt RBP3 protein function with a negative predictive value of 80%. In summary, the available evidence is currently insufficient to determine the role of this variant in disease. Therefore, it has been classified as a Variant of Uncertain Significance.

Blueprint Genetics
Classification: Likely benign. Last evaluated: 2024-11-22. Review status: criteria provided, single submitter. Criteria: ACMG Guidelines, 2015. Collection method: clinical testing. Allele origin: germline.

Illumina Laboratory Services, Illumina
Classification: Uncertain significance for Retinitis pigmentosa. Last evaluated: 2018-01-13. Review status: criteria provided, single submitter. Criteria: ICSL Variant Classification Criteria 13 December 2019. Collection method: clinical testing. Allele origin: germline.